The following is an entry in ClinVar:

ClinVar aggregate classification (germline): Uncertain significance (1 of 4 stars; one submission).

Conditions:
Facioscapulohumeral muscular dystrophy 2 (FSHD2). Also called: MUSCULAR DYSTROPHY, FACIOSCAPULOHUMERAL, TYPE 1B; FACIOSCAPULOHUMERAL MUSCULAR DYSTROPHY 2, DIGENIC; FSHD2, DIGENIC. Identifiers: Orphanet 269, MedGen C1834671, MONDO:0008031, OMIM 158901.

Submission:

Labcorp Genetics (formerly Invitae), Labcorp
Classification: Uncertain significance for Facioscapulohumeral muscular dystrophy 2. Last evaluated: 2025-08-06. Review status: criteria provided, single submitter. Criteria: Invitae Variant Classification Sherloc (09022015). Collection method: clinical testing. Allele origin: germline.
Comment: This sequence change replaces glutamine, which is neutral and polar, with lysine, which is basic and polar, at codon 101 of the SMCHD1 protein (p.Gln101Lys). This variant is not present in population databases (gnomAD no frequency). This variant has not been reported in the literature in individuals affected with SMCHD1-related conditions. ClinVar contains an entry for this variant (Variation ID: 863286). Invitae Evidence Modeling of protein sequence and biophysical properties (such as structural, functional, and spatial information, amino acid conservation, physicochemical variation, residue mobility, and thermodynamic stability) indicates that this missense variant is not expected to disrupt SMCHD1 protein function with a negative predictive value of 80%. In summary, the available evidence is currently insufficient to determine the role of this variant in disease. Therefore, it has been classified as a Variant of Uncertain Significance.

NM_015295.3(SMCHD1):c.301C>A (p.Gln101Lys)

Gene: SMCHD1 (structural maintenance of chromosomes flexible hinge domain containing 1; plus strand). Cytogenetic location: 18p11.32.
Variant type: single nucleotide variant.
Coding change: c.301C>A on transcript NM_015295.3 (MANE Select); coding-DNA position 301, C replaced by A.
Protein change: p.Gln101Lys; replaces glutamine 101 with lysine.
Molecular consequence: missense variant.
Genome position (GRCh38, 1-based): chr18:2,666,908, C>A. VCF-style: chr18-2666908-C-A. GRCh37 (hg19) VCF-style: chr18-2666907-C-A.
Other names: short protein forms Q101K.
Identifiers: ClinVar variation 863286 (VCV000863286.2), dbSNP rs2073456934, ClinGen allele CA401687742.